The following is an entry in ClinVar:

NM_015346.4(ZFYVE26):c.4547C>T (p.Ala1516Val)

Gene: ZFYVE26 (zinc finger FYVE-type containing 26; minus strand). Cytogenetic location: 14q24.1.
Variant type: single nucleotide variant.
Coding change: c.4547C>T on transcript NM_015346.4 (MANE Select); coding-DNA position 4547, C replaced by T.
Protein change: p.Ala1516Val; replaces alanine 1516 with valine.
Molecular consequence: missense variant.
Genome position (GRCh38, 1-based): chr14:67,781,355, G>A on the plus strand (C>T on the coding strand, the complement: ZFYVE26 is on the minus strand). VCF-style: chr14-67781355-G-A. GRCh37 (hg19) VCF-style: chr14-68248072-G-A.
Other names: short protein forms A1516V.
Identifiers: ClinVar variation 646314 (VCV000646314.6), dbSNP rs768593489, ClinGen allele CA7239745.

ClinVar aggregate classification (germline): Uncertain significance. Review status: criteria provided, multiple submitters, no conflicts (2 of 4 stars). 3 submissions from 3 submitters: Uncertain significance (3). Last evaluated 2025-03-01.

Conditions:
Spastic paraplegia. Identifiers: MedGen C0037772, HP:0001258.

Allele frequency attached by ClinVar (database versions not stated): ExAC 0.00001; gnomAD exomes 0.00001; TOPMed 0.00003; gnomAD 0.00006.
gnomAD v4.1: 27 of 1,613,966 alleles (0.0017%); highest among the groups gnomAD compares: Admixed American, 0.017%; no homozygotes.

Submissions (3):

GeneDx
Classification: Uncertain significance. Last evaluated: 2025-03-01. Review status: criteria provided, single submitter. Criteria: GeneDx Variant Classification Process June 2021. Collection method: clinical testing. Allele origin: germline. Affected: yes.
Comment: Not observed at significant frequency in large population cohorts (gnomAD); In silico analysis indicates that this missense variant does not alter protein structure/function; Has not been previously published as pathogenic or benign to our knowledge

Labcorp Genetics (formerly Invitae), Labcorp
Classification: Uncertain significance for Spastic paraplegia. Last evaluated: 2021-09-01. Review status: criteria provided, single submitter. Criteria: Invitae Variant Classification Sherloc (09022015). Collection method: clinical testing. Allele origin: germline.
Comment: This sequence change replaces alanine with valine at codon 1516 of the ZFYVE26 protein (p.Ala1516Val). The alanine residue is moderately conserved and there is a small physicochemical difference between alanine and valine. This variant is present in population databases (rs768593489, ExAC 0.002%). This variant has not been reported in the literature in individuals affected with ZFYVE26-related conditions. Algorithms developed to predict the effect of missense changes on protein structure and function output the following: SIFT: "Tolerated"; PolyPhen-2: "Benign"; Align-GVGD: "Class C0". The valine amino acid residue is found in multiple mammalian species, which suggests that this missense change does not adversely affect protein function. In summary, the available evidence is currently insufficient to determine the role of this variant in disease. Therefore, it has been classified as a Variant of Uncertain Significance.

Breakthrough Genomics
Classification: Uncertain significance. Review status: criteria provided, single submitter. Criteria: ACMG Guidelines, 2015. Collection method: not provided. Allele origin: germline. Inheritance: Autosomal recessive inheritance. Affected: yes.